The following is an entry in ClinVar:

NM_006739.4(MCM5):c.748G>A (p.Asp250Asn)

Gene: MCM5 (minichromosome maintenance complex component 5; plus strand). Cytogenetic location: 22q12.3.
Variant type: single nucleotide variant.
Coding change: c.748G>A on transcript NM_006739.4 (MANE Select); coding-DNA position 748, G replaced by A.
Protein change: p.Asp250Asn; replaces aspartic acid 250 with asparagine.
Molecular consequence: missense variant.
Genome position (GRCh38, 1-based): chr22:35,408,559, G>A. VCF-style: chr22-35408559-G-A. GRCh37 (hg19) VCF-style: chr22-35804552-G-A.
Other names: short protein forms D250N.
Identifiers: ClinVar variation 1429584 (VCV001429584.8), dbSNP rs752177318, ClinGen allele CA10205116.

ClinVar aggregate classification (germline): Uncertain significance (1 of 4 stars; one submission).

Allele frequency attached by ClinVar (database versions not stated): ExAC 0.00003; gnomAD 0.00003 and 0.00004; gnomAD exomes 0.00003 and 0.00011; TOPMed 0.00005.
gnomAD v4.1: 164 of 1,606,544 alleles (0.01%); highest among the groups gnomAD compares: Non-Finnish European, 0.013%; no homozygotes.

Submission:

Labcorp Genetics (formerly Invitae), Labcorp
Classification: Uncertain significance. Last evaluated: 2025-04-16. Review status: criteria provided, single submitter. Criteria: Invitae Variant Classification Sherloc (09022015). Collection method: clinical testing. Allele origin: germline.
Comment: This sequence change replaces aspartic acid, which is acidic and polar, with asparagine, which is neutral and polar, at codon 250 of the MCM5 protein (p.Asp250Asn). This variant is present in population databases (rs752177318, gnomAD 0.005%). This variant has not been reported in the literature in individuals affected with MCM5-related conditions. ClinVar contains an entry for this variant (Variation ID: 1429584). Invitae Evidence Modeling of protein sequence and biophysical properties (such as structural, functional, and spatial information, amino acid conservation, physicochemical variation, residue mobility, and thermodynamic stability) indicates that this missense variant is not expected to disrupt MCM5 protein function with a negative predictive value of 80%. In summary, the available evidence is currently insufficient to determine the role of this variant in disease. Therefore, it has been classified as a Variant of Uncertain Significance.